The following is an entry in ClinVar:

NM_177531.6(PKHD1L1):c.6507+1G>A

Gene: PKHD1L1 (PKHD1 like 1; plus strand). Cytogenetic location: 8q23.1.
Variant type: single nucleotide variant.
Coding change: c.6507+1G>A on transcript NM_177531.6 (MANE Select); the canonical splice donor site of the intron after coding-DNA position 6507, G replaced by A.
Molecular consequence: splice donor variant.
Genome position (GRCh38, 1-based): chr8:109,452,281, G>A. VCF-style: chr8-109452281-G-A. GRCh37 (hg19) VCF-style: chr8-110464510-G-A.
Other names: NC_000008.10:g.110464510G>A.
Identifiers: ClinVar variation 788298 (VCV000788298.31), dbSNP rs72687022, ClinGen allele CA4845510.

ClinVar aggregate classification (germline): Benign/Likely benign. Review status: criteria provided, multiple submitters, no conflicts (2 of 4 stars). 5 submissions from 5 submitters: Benign (4); Likely benign (1). Last evaluated 2026-02-01.

Conditions:
PKHD1L1-related disorder. Also called: PKHD1L1-related condition.

Allele frequency attached by ClinVar (database versions not stated): 1000 Genomes Project 0.00499; 1000 Genomes Project 30x 0.00531; gnomAD 0.00680 and 0.00692; gnomAD exomes 0.00767; ExAC 0.00787; ESP Exome Variant Server 0.00788; TOPMed 0.00788.
gnomAD v4.1: 15,087 of 1,597,078 alleles (0.94%); highest among the groups gnomAD compares: Middle Eastern, 2.3%; 89 homozygotes.

Submissions (10):

CeGaT Center for Human Genetics Tuebingen
Classification: Benign. Last evaluated: 2026-02-01. Review status: criteria provided, single submitter. Criteria: CeGaT Center For Human Genetics Tuebingen Variant Classification Criteria Version 2. Collection method: clinical testing. Allele origin: germline. Affected: yes. Observed: 2 variant alleles.
Comment: PKHD1L1: BS1, BS2

Genomic Medicine Center of Excellence, King Faisal Specialist Hospital and Research Centre
Classification: Likely benign. Last evaluated: 2025-08-18. Review status: criteria provided, single submitter. Criteria: ACMG Guidelines, 2015. Collection method: clinical testing. Allele origin: germline.

PreventionGenetics, part of Exact Sciences
Classification: Benign for PKHD1L1-related condition. Last evaluated: 2024-11-27. Review status: criteria provided, single submitter. Criteria: ACMG Guidelines, 2015. Collection method: clinical testing. Allele origin: germline.
Comment: This variant is classified as benign based on ACMG/AMP sequence variant interpretation guidelines (Richards et al. 2015 PMID: 25741868, with internal and published modifications).

Labcorp Genetics (formerly Invitae), Labcorp
Classification: Benign. Last evaluated: 2018-04-03. Review status: criteria provided, single submitter. Criteria: Invitae Variant Classification Sherloc (09022015). Collection method: clinical testing. Allele origin: germline.

Breakthrough Genomics
Classification: Benign. Review status: criteria provided, single submitter. Criteria: ACMG Guidelines, 2015. Collection method: not provided. Allele origin: germline. Inheritance: Unknown mechanism. Affected: yes.

Dr. Peter K. Rogan Lab, Western University
No classification provided (evidence only). Condition: Thyroid cancer, nonmedullary, 1. Review status: no classification provided. Collection method: in vitro. Allele origin: not applicable. Functional consequence: retained intron. Not counted in ClinVar's aggregate classification.

Dr. Peter K. Rogan Lab, Western University
No classification provided (evidence only). Condition: Ovarian serous cystadenocarcinoma. Review status: no classification provided. Collection method: in vitro. Allele origin: not applicable. Functional consequence: retained intron. Not counted in ClinVar's aggregate classification.

Dr. Peter K. Rogan Lab, Western University
No classification provided (evidence only). Condition: Ovarian serous cystadenocarcinoma. Review status: no classification provided. Collection method: in vitro. Allele origin: not applicable. Functional consequence: retained intron. Not counted in ClinVar's aggregate classification.

Dr. Peter K. Rogan Lab, Western University
No classification provided (evidence only). Condition: Ovarian serous cystadenocarcinoma. Review status: no classification provided. Collection method: in vitro. Allele origin: not applicable. Functional consequence: retained intron. Not counted in ClinVar's aggregate classification.

Dr. Peter K. Rogan Lab, Western University
No classification provided (evidence only). Condition: Malignant tumor of esophagus. Review status: no classification provided. Collection method: in vitro. Allele origin: not applicable. Functional consequence: retained intron. Not counted in ClinVar's aggregate classification.